The following is an entry in ClinVar:

ClinVar aggregate classification (germline): Uncertain significance (1 of 4 stars; one submission).

Conditions:
Familial hemophagocytic lymphohistiocytosis 4 (FHL4). Also called: STX11-Related Familial Hemophagocytic Lymphohistiocytosis (STX11-fHLH). Identifiers: Orphanet 540, MedGen C1863728, MONDO:0011336, OMIM 603552.

Submission:

Labcorp Genetics (formerly Invitae), Labcorp
Classification: Uncertain significance for Familial hemophagocytic lymphohistiocytosis 4. Last evaluated: 2023-03-26. Review status: criteria provided, single submitter. Criteria: Invitae Variant Classification Sherloc (09022015). Collection method: clinical testing. Allele origin: germline.
Comment: This variant is not present in population databases (gnomAD no frequency). This variant has not been reported in the literature in individuals affected with STX11-related conditions. Advanced modeling of protein sequence and biophysical properties (such as structural, functional, and spatial information, amino acid conservation, physicochemical variation, residue mobility, and thermodynamic stability) performed at Invitae indicates that this missense variant is not expected to disrupt STX11 protein function. In summary, the available evidence is currently insufficient to determine the role of this variant in disease. Therefore, it has been classified as a Variant of Uncertain Significance. This sequence change replaces phenylalanine, which is neutral and non-polar, with leucine, which is neutral and non-polar, at codon 281 of the STX11 protein (p.Phe281Leu).

NM_003764.4(STX11):c.841T>C (p.Phe281Leu)

Gene: STX11 (syntaxin 11; plus strand). Cytogenetic location: 6q24.2.
Variant type: single nucleotide variant.
Coding change: c.841T>C on transcript NM_003764.4 (MANE Select); coding-DNA position 841, T replaced by C.
Protein change: p.Phe281Leu; replaces phenylalanine 281 with leucine.
Molecular consequence: missense variant.
Genome position (GRCh38, 1-based): chr6:144,187,468, T>C. VCF-style: chr6-144187468-T-C. GRCh37 (hg19) VCF-style: chr6-144508605-T-C.
Other names: short protein forms F281L.
Identifiers: ClinVar variation 2788119 (VCV002788119.3), dbSNP rs1225280944, ClinGen allele CA365950230.